The following is an entry in ClinVar:

ClinVar aggregate classification (germline): Benign (1 of 4 stars; one submission).

Allele frequency attached by ClinVar (database versions not stated): gnomAD 0.07422 and 0.07990; 1000 Genomes Project 0.08287; TOPMed 0.08487; 1000 Genomes Project 30x 0.08760.
gnomAD v4.1: 11,196 of 152,204 alleles (7.4%); highest among the groups gnomAD compares: African/African-American, 25%; 1,354 homozygotes.

Submission:

GeneDx
Classification: Benign. Last evaluated: 2018-06-14. Review status: criteria provided, single submitter. Criteria: GeneDx Variant Classification (06012015). Collection method: clinical testing. Allele origin: germline. Affected: yes.
Comment: This variant is considered likely benign or benign based on one or more of the following criteria: it is a conservative change, it occurs at a poorly conserved position in the protein, it is predicted to be benign by multiple in silico algorithms, and/or has population frequency not consistent with disease.

NM_000218.3(KCNQ1):c.1252-301T>C

Gene: KCNQ1 (potassium voltage-gated channel subfamily Q member 1; plus strand). Cytogenetic location: 11p15.5.
Variant type: single nucleotide variant.
Coding change: c.1252-301T>C on transcript NM_000218.3 (MANE Select); 301 bases into the intron before coding-DNA position 1252, T replaced by C.
Molecular consequence: intron variant.
Genome position (GRCh38, 1-based): chr11:2,588,412, T>C. VCF-style: chr11-2588412-T-C. GRCh37 (hg19) VCF-style: chr11-2609642-T-C.
Other names: c.982-301T>C (NM_001406837.1); c.1156-301T>C (NM_001406836.1); c.712-301T>C (NM_001406838.1); c.871-301T>C (NM_181798.2).
Identifiers: ClinVar variation 680933 (VCV000680933.3), dbSNP rs11828659, ClinGen allele CA13500367.